The following is an entry in ClinVar:

NM_022132.5(MCCC2):c.1082G>A (p.Arg361Gln)

Gene: MCCC2 (methylcrotonyl-CoA carboxylase subunit 2; plus strand). Cytogenetic location: 5q13.2.
Variant type: single nucleotide variant.
Coding change: c.1082G>A on transcript NM_022132.5 (MANE Select); coding-DNA position 1082, G replaced by A.
Protein change: p.Arg361Gln; replaces arginine 361 with glutamine.
Molecular consequence: missense variant.
Genome position (GRCh38, 1-based): chr5:71,643,828, G>A. VCF-style: chr5-71643828-G-A. GRCh37 (hg19) VCF-style: chr5-70939655-G-A.
Other names: c.1082G>A (NM_022132.4); c.968G>A, p.Arg323Gln (NM_001363147.1); short protein forms R361Q, R323Q.
Identifiers: ClinVar variation 1442910 (VCV001442910.10), dbSNP rs991211481, ClinGen allele CA119999626.

ClinVar aggregate classification (germline): Uncertain significance. Review status: criteria provided, multiple submitters, no conflicts (2 of 4 stars). 3 submissions from 3 submitters: Uncertain significance (3). Last evaluated 2024-11-26.

Conditions:
MCCC2-related disorder. Also called: MCCC2-related condition.
3-methylcrotonyl-CoA carboxylase 2 deficiency. Also called: 3 alpha methylcrotonyl-CoA carboxylase 2 deficiency; 3 alpha methylcrotonylglycinuria 2; MCC 2 deficiency; Methylcrotonylglycinuria type 2; METHYLCROTONYLGLYCINURIA, TYPE II. Identifiers: Orphanet 6, MedGen C1859499, MONDO:0008862, OMIM 210210.

Allele frequency attached by ClinVar (database versions not stated): gnomAD exomes below 0.00001; TOPMed 0.00001.
gnomAD v4.1: 2 of 1,614,034 alleles (0.00012%); highest among the groups gnomAD compares: Non-Finnish European, 0.00017%; no homozygotes.

Submissions (3):

PreventionGenetics, part of Exact Sciences
Classification: Uncertain significance for MCCC2-related condition. Last evaluated: 2024-11-26. Review status: criteria provided, single submitter. Criteria: ACMG Guidelines, 2015. Collection method: clinical testing. Allele origin: germline.
Comment: The MCCC2 c.1082G>A variant is predicted to result in the amino acid substitution p.Arg361Gln. This variant has been reported in a study of individuals affected with inborn errors of metabolism (Table S5, Adhikari et al. 2020. PubMed ID: 32778825). This variant has not been reported in a large population database, indicating it is rare. At this time, the clinical significance of this variant is uncertain due to the absence of conclusive functional and genetic evidence.

Women's Health and Genetics/Laboratory Corporation of America, LabCorp
Classification: Uncertain significance. Last evaluated: 2024-11-11. Review status: criteria provided, single submitter. Criteria: LabCorp Variant Classification Summary - May 2015. Collection method: clinical testing. Allele origin: germline.
Comment: Variant summary: MCCC2 c.1082G>A (p.Arg361Gln) results in a conservative amino acid change located in the ClpP/crotonase domain (IPR029045) of the encoded protein sequence. Three of five in-silico tools predict a damaging effect of the variant on protein function. The variant was absent in 251442 control chromosomes. The available data on variant occurrences in the general population are insufficient to allow any conclusion about variant significance. c.1082G>A has been reported in the literature in individual with an unspecified inborn error of metabolism (e.g. Adhikari_2020). This report does not provide unequivocal conclusions about association of the variant with Methylcrotonyl-CoA Carboxylase Deficiency. To our knowledge, no experimental evidence demonstrating an impact on protein function has been reported. The following publication has been ascertained in the context of this evaluation (PMID: 32778825). ClinVar contains an entry for this variant (Variation ID: 1442910). Based on the evidence outlined above, the variant was classified as uncertain significance.

Labcorp Genetics (formerly Invitae), Labcorp
Classification: Uncertain significance for 3-methylcrotonyl-CoA carboxylase 2 deficiency. Last evaluated: 2023-06-03. Review status: criteria provided, single submitter. Criteria: Invitae Variant Classification Sherloc (09022015). Collection method: clinical testing. Allele origin: germline.
Comment: This sequence change replaces arginine, which is basic and polar, with glutamine, which is neutral and polar, at codon 361 of the MCCC2 protein (p.Arg361Gln). This variant is not present in population databases (gnomAD no frequency). This variant has not been reported in the literature in individuals affected with MCCC2-related conditions. ClinVar contains an entry for this variant (Variation ID: 1442910). Advanced modeling of protein sequence and biophysical properties (such as structural, functional, and spatial information, amino acid conservation, physicochemical variation, residue mobility, and thermodynamic stability) performed at Invitae indicates that this missense variant is not expected to disrupt MCCC2 protein function. Algorithms developed to predict the effect of sequence changes on RNA splicing suggest that this variant may disrupt the consensus splice site. In summary, the available evidence is currently insufficient to determine the role of this variant in disease. Therefore, it has been classified as a Variant of Uncertain Significance.

Literature cited by the submitters: PubMed 32778825 (cited by Women's Health and Genetics/Laboratory Corporation of America, LabCorp).